The following is an entry in ClinVar:

NM_001621.5(AHR):c.1643T>C (p.Ile548Thr)

Gene: AHR (aryl hydrocarbon receptor; plus strand). Cytogenetic location: 7p21.1.
Variant type: single nucleotide variant.
Coding change: c.1643T>C on transcript NM_001621.5 (MANE Select); coding-DNA position 1643, T replaced by C.
Protein change: p.Ile548Thr; replaces isoleucine 548 with threonine.
Molecular consequence: missense variant.
Genome position (GRCh38, 1-based): chr7:17,339,468, T>C. VCF-style: chr7-17339468-T-C. GRCh37 (hg19) VCF-style: chr7-17379092-T-C.
Other names: short protein forms I548T.
Identifiers: ClinVar variation 1385026 (VCV001385026.6), dbSNP rs1782394014, ClinGen allele CA366894798.

ClinVar aggregate classification (germline): Uncertain significance (1 of 4 stars; one submission).

Allele frequency attached by ClinVar (database versions not stated): gnomAD 0.00001.
gnomAD v4.1: 1 of 1,614,058 alleles (0.000062%); highest among the groups gnomAD compares: Admixed American, 0.0017%; no homozygotes.

Submission:

Labcorp Genetics (formerly Invitae), Labcorp
Classification: Uncertain significance. Last evaluated: 2022-07-19. Review status: criteria provided, single submitter. Criteria: Invitae Variant Classification Sherloc (09022015). Collection method: clinical testing. Allele origin: germline.
Comment: This sequence change replaces isoleucine, which is neutral and non-polar, with threonine, which is neutral and polar, at codon 548 of the AHR protein (p.Ile548Thr). This variant is not present in population databases (gnomAD no frequency). This variant has not been reported in the literature in individuals affected with AHR-related conditions. ClinVar contains an entry for this variant (Variation ID: 1385026). Algorithms developed to predict the effect of missense changes on protein structure and function are either unavailable or do not agree on the potential impact of this missense change (SIFT: "Deleterious"; PolyPhen-2: "Benign"; Align-GVGD: "Class C0"). In summary, the available evidence is currently insufficient to determine the role of this variant in disease. Therefore, it has been classified as a Variant of Uncertain Significance.